The following is an entry in ClinVar:

NM_182961.4(SYNE1):c.17781G>A (p.Pro5927=)

Gene: SYNE1 (spectrin repeat containing nuclear envelope protein 1; minus strand). Cytogenetic location: 6q25.2.
Variant type: single nucleotide variant.
Coding change: c.17781G>A on transcript NM_182961.4 (MANE Select); coding-DNA position 17781, G replaced by A.
Protein change: p.Pro5927=; no amino-acid change (proline 5927 retained).
Molecular consequence: synonymous variant.
Genome position (GRCh38, 1-based): chr6:152,294,029, C>T on the plus strand (G>A on the coding strand, the complement: SYNE1 is on the minus strand). VCF-style: chr6-152294029-C-T. GRCh37 (hg19) VCF-style: chr6-152615164-C-T.
Other names: c.17568G>A, p.Pro5856= (NM_033071.5).
Identifiers: ClinVar variation 391786 (VCV000391786.3), dbSNP rs770484710, ClinGen allele CA4055129.

ClinVar aggregate classification (germline): Likely benign. Review status: criteria provided, multiple submitters, no conflicts (2 of 4 stars). 2 submissions from 2 submitters: Likely benign (2). Last evaluated 2024-03-01.

Conditions:
Emery-Dreifuss muscular dystrophy 4, autosomal dominant (EDMD4). Also called: EMERY-DREIFUSS MUSCULAR DYSTROPHY 4 WITH VARIABLE FEATURES. Identifiers: Orphanet 261, MedGen C2751807, MONDO:0013071, OMIM 612998.
Autosomal recessive ataxia, Beauce type. Also called: SYNE1 Deficiency; Spinocerebellar ataxia, autosomal recessive 8; SYNE1-Related Autosomal Recessive Cerebellar Ataxia; ATAXIA, RECESSIVE, OF BEAUCE. Identifiers: Orphanet 88644, MedGen C1853116, MONDO:0012549, OMIM 610743.

Allele frequency attached by ClinVar (database versions not stated): TOPMed below 0.00001; gnomAD 0.00001; gnomAD exomes 0.00002; ExAC 0.00003.
gnomAD v4.1: 34 of 1,613,944 alleles (0.0021%); highest among the groups gnomAD compares: Non-Finnish European, 0.0023%; no homozygotes.

Submissions (2):

Labcorp Genetics (formerly Invitae), Labcorp
Classification: Likely benign for Emery-Dreifuss muscular dystrophy 4, autosomal dominant; Autosomal recessive ataxia, Beauce type. Last evaluated: 2024-03-01. Review status: criteria provided, single submitter. Criteria: Invitae Variant Classification Sherloc (09022015). Collection method: clinical testing. Allele origin: germline.

GeneDx
Classification: Likely benign. Last evaluated: 2016-12-16. Review status: criteria provided, single submitter. Criteria: GeneDx Variant Classification (06012015). Collection method: clinical testing. Allele origin: germline. Affected: yes.
Comment: This variant is considered likely benign or benign based on one or more of the following criteria: it is a conservative change, it occurs at a poorly conserved position in the protein, it is predicted to be benign by multiple in silico algorithms, and/or has population frequency not consistent with disease.